The following is an entry in ClinVar:

ClinVar aggregate classification (germline): Uncertain significance. Review status: criteria provided, multiple submitters, no conflicts (2 of 4 stars). 2 submissions from 2 submitters: Uncertain significance (2). Last evaluated 2026-09-08.

Submissions (2):

GeneDx
Classification: Uncertain significance. Last evaluated: 2026-09-08. Review status: criteria provided, single submitter. Criteria: GeneDx Variant Classification Process June 2021. Collection method: clinical testing. Allele origin: germline.
Comment: Identified in patients with features consistent with CSF1R-related hereditary diffuse leukoencephalopathy in published literature, however, segregation information was not included (PMID: 34422984, 24711011, 37237429); Not observed at significant frequency in large population cohorts (gnomAD); In silico analysis supports that this missense variant has a deleterious effect on protein structure/function; This variant is associated with the following publications: (PMID: 39853526, 34422984, 24711011, 37237429, 40146342, 40135849)

Labcorp Genetics (formerly Invitae), Labcorp
Classification: Uncertain significance. Last evaluated: 2023-02-05. Review status: criteria provided, single submitter. Criteria: Invitae Variant Classification Sherloc (09022015). Collection method: clinical testing. Allele origin: germline.
Comment: This sequence change replaces arginine, which is basic and polar, with glutamine, which is neutral and polar, at codon 579 of the CSF1R protein (p.Arg579Gln). This variant is not present in population databases (gnomAD no frequency). This missense change has been observed in individuals with clinical features of hereditary diffuse leukoencephalopathy with spheroids (PMID: 24711011, 34422984). Algorithms developed to predict the effect of missense changes on protein structure and function (SIFT, PolyPhen-2, Align-GVGD) all suggest that this variant is likely to be disruptive. In summary, the available evidence is currently insufficient to determine the role of this variant in disease. Therefore, it has been classified as a Variant of Uncertain Significance.

Literature cited by the submitters: PubMed 24711011 (cited by Labcorp Genetics (formerly Invitae), Labcorp); PubMed 34422984 (cited by Labcorp Genetics (formerly Invitae), Labcorp).

NM_001288705.3(CSF1R):c.1736G>A (p.Arg579Gln)

Gene: CSF1R (colony stimulating factor 1 receptor; minus strand). Cytogenetic location: 5q32.
Variant type: single nucleotide variant.
Coding change: c.1736G>A on transcript NM_001288705.3 (MANE Select); coding-DNA position 1736, G replaced by A.
Protein change: p.Arg579Gln; replaces arginine 579 with glutamine.
Molecular consequence: missense variant. On other transcripts: non-coding transcript variant (2).
Genome position (GRCh38, 1-based): chr5:150,061,740, C>T on the plus strand (G>A on the coding strand, the complement: CSF1R is on the minus strand). VCF-style: chr5-150061740-C-T. GRCh37 (hg19) VCF-style: chr5-149441303-C-T.
Other names: c.1736G>A, p.Arg579Gln (NM_001349736.2, NM_001375320.1, NM_005211.4); c.1292G>A, p.Arg431Gln (NM_001375321.1); c.1736G>A (NM_005211.3); short protein forms R431Q, R579Q.
Identifiers: ClinVar variation 2782340 (VCV002782340.5), dbSNP rs1757538751, ClinGen allele CA361714255.